The following is an entry in ClinVar:

NM_001079872.2(CUL4B):c.2004T>C (p.Tyr668=)

Gene: CUL4B (cullin 4B; minus strand). Cytogenetic location: Xq24.
Variant type: single nucleotide variant.
Coding change: c.2004T>C on transcript NM_001079872.2 (MANE Select); coding-DNA position 2004, T replaced by C.
Protein change: p.Tyr668=; no amino-acid change (tyrosine 668 retained).
Molecular consequence: synonymous variant.
Genome position (GRCh38, 1-based): chrX:120,536,969, A>G on the plus strand (T>C on the coding strand, the complement: CUL4B is on the minus strand). VCF-style: chrX-120536969-A-G. GRCh37 (hg19) VCF-style: chrX-119670824-A-G.
Other names: c.2019T>C, p.Tyr673= (NM_001330624.2); c.1470T>C, p.Tyr490= (NM_001369145.1); c.2058T>C, p.Tyr686= (NM_003588.4).
Identifiers: ClinVar variation 4977598 (VCV004977598.1).
Genomic context (GRCh38, chrX:120,536,969, plus strand): 5'-CTAAACAGTAACTCTTACCTCTGGTGGTAAATGAACTTCCATAGGCACATATGTCGGCCA[A>G]TAGCCCATTGTCAGGATATTCACAGTTAACTCAATATTTCCCGGAACATTCTGATTCTGC-3'
Protein context (NP_001073341.1, residues 658-678): ELTVNILTMG[Tyr668=]WPTYVPMEVH

ClinVar aggregate classification (germline): Likely benign (1 of 4 stars; one submission).

Conditions:
CUL4B-related disorder. Also called: CUL4B-related condition.

Submission:

PreventionGenetics, part of Exact Sciences
Classification: Likely benign for CUL4B-related condition. Last evaluated: 2026-03-31. Review status: criteria provided, single submitter. Criteria: ACMG Guidelines, 2015. Collection method: clinical testing. Allele origin: germline.
Comment: This variant is classified as likely benign based on ACMG/AMP sequence variant interpretation guidelines (Richards et al. 2015 PMID: 25741868, with internal and published modifications).